The following is an entry in ClinVar:

NM_001377.3(DYNC2H1):c.463A>C (p.Asn155His)

Gene: DYNC2H1 (dynein cytoplasmic 2 heavy chain 1; plus strand). Cytogenetic location: 11q22.3.
Variant type: single nucleotide variant.
Coding change: c.463A>C on transcript NM_001377.3 (MANE Select); coding-DNA position 463, A replaced by C.
Protein change: p.Asn155His; replaces asparagine 155 with histidine.
Molecular consequence: missense variant.
Genome position (GRCh38, 1-based): chr11:103,114,199, A>C. VCF-style: chr11-103114199-A-C. GRCh37 (hg19) VCF-style: chr11-102984928-A-C.
Other names: c.463A>C, p.Asn155His (NM_001080463.2); short protein forms N155H.
Identifiers: ClinVar variation 2145483 (VCV002145483.1), dbSNP rs1208361901, ClinGen allele CA382244032.

ClinVar aggregate classification (germline): Uncertain significance (1 of 4 stars; one submission).

Conditions:
Jeune thoracic dystrophy. Also called: Jeune syndrome; Infantile thoracic dystrophy; Thoracic pelvic phalangeal dystrophy; Jeune's syndrome; Chondroectodermal dysplasia-like syndrome; Short-rib thoracic dysplasia. Identifiers: Orphanet 474, MedGen C0265275, MONDO:0018770.

Allele frequency attached by ClinVar (database versions not stated): gnomAD exomes below 0.00001; gnomAD 0.00001; TOPMed 0.00001.
gnomAD v4.1: 2 of 1,599,384 alleles (0.00013%); highest among the groups gnomAD compares: African/African-American, 0.0027%; no homozygotes.

Submission:

Labcorp Genetics (formerly Invitae), Labcorp
Classification: Uncertain significance for Jeune thoracic dystrophy. Last evaluated: 2022-04-28. Review status: criteria provided, single submitter. Criteria: Invitae Variant Classification Sherloc (09022015). Collection method: clinical testing. Allele origin: germline.
Comment: This sequence change replaces asparagine, which is neutral and polar, with histidine, which is basic and polar, at codon 155 of the DYNC2H1 protein (p.Asn155His). This variant is present in population databases (no rsID available, gnomAD 0.01%). This variant has not been reported in the literature in individuals affected with DYNC2H1-related conditions. Advanced modeling of protein sequence and biophysical properties (such as structural, functional, and spatial information, amino acid conservation, physicochemical variation, residue mobility, and thermodynamic stability) performed at Invitae indicates that this missense variant is not expected to disrupt DYNC2H1 protein function. In summary, the available evidence is currently insufficient to determine the role of this variant in disease. Therefore, it has been classified as a Variant of Uncertain Significance.